The following is an entry in ClinVar:

ClinVar aggregate classification (germline): Likely pathogenic (1 of 4 stars; one submission).

Conditions:
Mitochondrial DNA depletion syndrome 13. Also called: FBXL4-Related Encephalomyopathic Mitochondrial DNA Depletion Syndrome; Mitochondrial DNA depletion syndrome 13 (encephalomyopathic type). Identifiers: Orphanet 369897, MedGen C3809592, MONDO:0014198, OMIM 615471.

Submission:

Wong Mito Lab, Molecular and Human Genetics, Baylor College of Medicine
Classification: Likely pathogenic for Mitochondrial DNA depletion syndrome 13. Last evaluated: 2017-08-10. Review status: criteria provided, single submitter. Criteria: ACMG Guidelines, 2015. Collection method: clinical testing. Allele origin: germline. Affected: yes.
Comment: The NM_012160.4:c.1750T>C (NP_036292.2:p.Cys584Arg) [GRCH38: NC_000006.12:g.98874394A>G] variant in FBXL4 gene is interpretated to be a Likely Pathogenic based on ACMG guidelines (PMID: 25741868). This variant meets one or more of the following evidence codes reported in the ACMG-guideline. PM2:This variant is absent in key population databases. PP2:This is a missense variant in FBXL4 with a low rate of benign and high rate of pathogenic missense variations. PP3:Computational evidence/predictors indicate the variant has deleterious effect on FBXL4 structure, function, or protein-protein interaction. PP4:Patientâ€™s phenotype or family history is highly specific for FBXL4. PP5:Reputable source(s) suggest that the variant is pathogenic. Based on this evidence code ClinGen Pathogenicity Calculator (PMID:28081714) suggested that the variant is Likely Pathogenic.

NM_001278716.2(FBXL4):c.1750T>C (p.Cys584Arg)

Gene: FBXL4 (F-box and leucine rich repeat protein 4; minus strand). Cytogenetic location: 6q16.1.
Variant type: single nucleotide variant.
Coding change: c.1750T>C on transcript NM_001278716.2 (MANE Select); coding-DNA position 1750, T replaced by C.
Protein change: p.Cys584Arg; replaces cysteine 584 with arginine.
Molecular consequence: missense variant. On other transcripts: non-coding transcript variant (1).
Genome position (GRCh38, 1-based): chr6:98,874,394, A>G on the plus strand (T>C on the coding strand, the complement: FBXL4 is on the minus strand). VCF-style: chr6-98874394-A-G. GRCh37 (hg19) VCF-style: chr6-99322270-A-G.
Other names: c.1750T>C, p.Cys584Arg (NM_012160.5); short protein forms C584R.
Identifiers: ClinVar variation 437484 (VCV000437484.1), dbSNP rs1554215804, ClinGen allele CA16021022.